The following is an entry in ClinVar:

ClinVar aggregate classification (germline): Uncertain significance (1 of 4 stars; one submission).

Submission:

Labcorp Genetics (formerly Invitae), Labcorp
Classification: Uncertain significance. Last evaluated: 2022-09-22. Review status: criteria provided, single submitter. Criteria: Invitae Variant Classification Sherloc (09022015). Collection method: clinical testing. Allele origin: germline.
Comment: This sequence change replaces proline, which is neutral and non-polar, with alanine, which is neutral and non-polar, at codon 2082 of the PCLO protein (p.Pro2082Ala). In summary, the available evidence is currently insufficient to determine the role of this variant in disease. Therefore, it has been classified as a Variant of Uncertain Significance. Algorithms developed to predict the effect of missense changes on protein structure and function are either unavailable or do not agree on the potential impact of this missense change (SIFT: "Tolerated"; PolyPhen-2: "Not Available"; Align-GVGD: "Class C0"). This variant has not been reported in the literature in individuals affected with PCLO-related conditions. This variant is not present in population databases (gnomAD no frequency).

NM_033026.6(PCLO):c.6244C>G (p.Pro2082Ala)

Gene: PCLO (piccolo presynaptic cytomatrix protein; minus strand). Cytogenetic location: 7q21.11.
Variant type: single nucleotide variant.
Coding change: c.6244C>G on transcript NM_033026.6 (MANE Select); coding-DNA position 6244, C replaced by G.
Protein change: p.Pro2082Ala; replaces proline 2082 with alanine.
Molecular consequence: missense variant.
Genome position (GRCh38, 1-based): chr7:82,954,709, G>C on the plus strand (C>G on the coding strand, the complement: PCLO is on the minus strand). VCF-style: chr7-82954709-G-C. GRCh37 (hg19) VCF-style: chr7-82584025-G-C.
Other names: c.6244C>G, p.Pro2082Ala (NM_014510.3); short protein forms P2082A.
Identifiers: ClinVar variation 1720038 (VCV001720038.5), dbSNP rs2535703379, ClinGen allele CA367920138.
Genomic context (GRCh38, chr7:82,954,709, plus strand): 5'-GCATTCTGTCAAAGTCCATGGTGGACTCTGTCATATCCTCACCAATGGGGGCCTGGGTTG[G>C]GCTAGATCCAGGTGTTAATTGCATCTGTTGCCTCTTCATAAGTTCTTCATAGGCAGCATC-3'
Protein context (NP_149015.2, residues 2072-2092): QQMQLTPGSS[Pro2082Ala]TQAPIGEDMT